The following is an entry in ClinVar:

NM_000051.4(ATM):c.2939A>T (p.Tyr980Phe)

Gene: ATM (ATM serine/threonine kinase; plus strand). Cytogenetic location: 11q22.3.
Variant type: single nucleotide variant.
Coding change: c.2939A>T on transcript NM_000051.4 (MANE Select); coding-DNA position 2939, A replaced by T.
Protein change: p.Tyr980Phe; replaces tyrosine 980 with phenylalanine.
Molecular consequence: missense variant.
Genome position (GRCh38, 1-based): chr11:108,271,268, A>T. VCF-style: chr11-108271268-A-T. GRCh37 (hg19) VCF-style: chr11-108141995-A-T.
Other names: c.2939A>T, p.Tyr980Phe (NM_001351834.2); short protein forms Y980F.
Identifiers: ClinVar variation 419967 (VCV000419967.6), dbSNP rs1064794211, ClinGen allele CA16619151.

ClinVar aggregate classification (germline): Uncertain significance. Review status: criteria provided, multiple submitters, no conflicts (2 of 4 stars). 4 submissions from 4 submitters: Uncertain significance (4). Last evaluated 2026-06-23.

Conditions:
Ataxia-telangiectasia syndrome (AT). Also called: Cerebello-oculocutaneous telangiectasia; Immunodeficiency with ataxia telangiectasia; LOUIS-BAR SYNDROME; Ataxia-telangiectasia, complementation group E; Ataxia-telangiectasia; ATAXIA-TELANGIECTASIA, COMPLEMENTATION GROUP A. Identifiers: Orphanet 100, MedGen C0004135, MONDO:0008840, OMIM 208900.
Hereditary cancer-predisposing syndrome. Also called: Neoplastic Syndromes, Hereditary; Hereditary Cancer Syndrome; Tumor predisposition; Hereditary neoplastic syndrome. Identifiers: Orphanet 140162, MedGen C0027672, MeSH D009386, MONDO:0015356.

Submissions (4):

Ambry Genetics
Classification: Uncertain significance for Hereditary cancer-predisposing syndrome. Last evaluated: 2026-06-23. Review status: criteria provided, single submitter. Criteria: Ambry Variant Classification Scheme 2023. Collection method: clinical testing. Allele origin: germline.
Comment: The p.Y980F variant (also known as c.2939A>T), located in coding exon 19 of the ATM gene, results from an A to T substitution at nucleotide position 2939. The tyrosine at codon 980 is replaced by phenylalanine, an amino acid with highly similar properties. In an assay testing ATM function, this variant showed a functionally normal result (Lee KS et al. Cell, 2025 Sep;188:5081-5099.e27). This amino acid position is well conserved in available vertebrate species. In addition, the in silico prediction for this alteration is inconclusive. Based on the available evidence, the clinical significance of this variant remains unclear.

Labcorp Genetics (formerly Invitae), Labcorp
Classification: Uncertain significance for Ataxia-telangiectasia syndrome. Last evaluated: 2026-01-31. Review status: criteria provided, single submitter. Criteria: Invitae Variant Classification Sherloc (09022015). Collection method: clinical testing. Allele origin: germline.
Comment: This sequence change replaces tyrosine, which is neutral and polar, with phenylalanine, which is neutral and non-polar, at codon 980 of the ATM protein (p.Tyr980Phe). This variant is not present in population databases (gnomAD no frequency). This variant has not been reported in the literature in individuals affected with ATM-related conditions. ClinVar contains an entry for this variant (Variation ID: 419967). Invitae Evidence Modeling of protein sequence and biophysical properties (such as structural, functional, and spatial information, amino acid conservation, physicochemical variation, residue mobility, and thermodynamic stability) indicates that this missense variant is not expected to disrupt ATM protein function with a negative predictive value of 95%. In summary, the available evidence is currently insufficient to determine the role of this variant in disease. Therefore, it has been classified as a Variant of Uncertain Significance.

Color Diagnostics, LLC DBA Color Health
Classification: Uncertain significance for Hereditary cancer-predisposing syndrome. Last evaluated: 2019-06-19. Review status: criteria provided, single submitter. Criteria: ACMG Guidelines, 2015. Collection method: clinical testing. Allele origin: germline.

GeneDx
Classification: Uncertain significance. Last evaluated: 2016-10-11. Review status: criteria provided, single submitter. Criteria: GeneDx Variant Classification (06012015). Collection method: clinical testing. Allele origin: germline. Affected: yes.
Comment: This variant is denoted ATM c.2939A>T at the cDNA level, p.Tyr980Phe (Y980F) at the protein level, and results in the change of a Tyrosine to a Phenylalanine (TAT>TTT). This variant has not, to our knowledge, been published in the literature as pathogenic or benign. ATM Tyr980Phe was not observed in approximately 6,500 individuals of European and African American ancestry in the NHLBI Exome Sequencing Project, suggesting it is not a common benign variant in these populations. Since Tyrosine and Phenylalanine differ in polarity, charge, size or other properties, this is considered a non-conservative amino acid substitution. ATM Tyr980Phe occurs at a position that is not conserved and is located in the beta-adaptin interaction domain (Tavtigian 2009). In silico analyses are inconsistent regarding the effect this variant may have on protein structure and function. Based on currently available evidence, it is unclear whether ATM Tyr980Phe is a pathogenic or benign variant. We consider it to be a variant of uncertain significance.

Literature cited by the submitters: PubMed 40580951 (cited by Ambry Genetics).